The following is an entry in ClinVar:

NM_014633.5(CTR9):c.1880G>T (p.Arg627Leu)

Gene: CTR9 (CTR9 homolog, Paf1/RNA polymerase II complex component; plus strand). Cytogenetic location: 11p15.4.
Variant type: single nucleotide variant.
Coding change: c.1880G>T on transcript NM_014633.5 (MANE Select); coding-DNA position 1880, G replaced by T.
Protein change: p.Arg627Leu; replaces arginine 627 with leucine.
Molecular consequence: missense variant.
Genome position (GRCh38, 1-based): chr11:10,768,081, G>T. VCF-style: chr11-10768081-G-T. GRCh37 (hg19) VCF-style: chr11-10789628-G-T.
Other names: c.1880G>T, p.Arg627Leu (NM_001346279.2); short protein forms R627L.
Identifiers: ClinVar variation 3346209 (VCV003346209.1).
Genomic context (GRCh38, chr11:10,768,081, plus strand): 5'-CTGATACTCTACATTCTCGTTTGAATCTTTTTTAAGAGCACTTGTTTCTATAGGAAAAGC[G>T]TCATCAAGATCGTGCTCTGGCCATCTACAAACAAGTACTCAGAAATGATGCAAAGAATCT-3'
Protein context (NP_055448.1, residues 617-637): QPTRDREKEK[Arg627Leu]HQDRALAIYK

ClinVar aggregate classification (germline): Uncertain significance (0 of 4 stars; one submission).

Conditions:
CTR9-related disorder. Also called: CTR9-related condition.

Submission:

PreventionGenetics, part of Exact Sciences
Classification: Uncertain significance for CTR9-related condition. Last evaluated: 2024-05-02. Review status: no assertion criteria provided. Collection method: clinical testing. Allele origin: germline.
Comment: The CTR9 c.1880G>T variant is predicted to result in the amino acid substitution p.Arg627Leu. To our knowledge, this variant has not been reported in the literature or in a large population database, indicating this variant is rare. At this time, the clinical significance of this variant is uncertain due to the absence of conclusive functional and genetic evidence.